The following is an entry in ClinVar:

NM_001009944.3(PKD1):c.8948+11C>T

Gene: PKD1 (polycystin 1, transient receptor potential channel interacting; minus strand). Cytogenetic location: 16p13.3.
Variant type: single nucleotide variant.
Coding change: c.8948+11C>T on transcript NM_001009944.3 (MANE Select); 11 bases into the intron after coding-DNA position 8948, C replaced by T.
Molecular consequence: intron variant.
Genome position (GRCh38, 1-based): chr16:2,102,803, G>A on the plus strand (C>T on the coding strand, the complement: PKD1 is on the minus strand). VCF-style: chr16-2102803-G-A. GRCh37 (hg19) VCF-style: chr16-2152804-G-A.
Other names: c.8948+11C>T (NM_000296.4).
Identifiers: ClinVar variation 257032 (VCV000257032.14), dbSNP rs147923678, ClinGen allele CA7830290.
Genomic context (GRCh38, chr16:2,102,803, plus strand): 5'-GGCCAGTAACCCAGGCAATGCTGACCCATGATGCCCTGCCCTGCCCTGCCAGGCTGGCCC[G>A]CAGAGCTCACCCCGGGGAAATGAAGAAGGTGTAGGGCCGGTGGTCAGCACCCTGGAGTGA-3'

ClinVar aggregate classification (germline): Benign. Review status: criteria provided, multiple submitters, no conflicts (2 of 4 stars). 5 submissions from 5 submitters: Benign (4). 1 of the submissions does not count toward it. Last evaluated 2026-05-02.

Conditions:
Polycystic kidney disease, adult type (PKD1). Also called: Polycystic Kidney, Autosomal Dominant; Polycystic Kidney Disease 1, Autosomal Dominant; Polycystic kidney disease 1; Polycystic kidney disease 1, severe; POLYCYSTIC KIDNEY DISEASE 1 WITH OR WITHOUT POLYCYSTIC LIVER DISEASE; POLYCYSTIC KIDNEY DISEASE, ADULT, TYPE I. Identifiers: MedGen C3149841, MONDO:0008263, OMIM 173900.
Polycystic kidney disease. Also called: Polycystic kidney dysplasia; Kidney, Polycystic. Identifiers: MedGen C0022680, MeSH D007690, MONDO:0020642, HP:0000113.

Allele frequency attached by ClinVar (database versions not stated): ESP Exome Variant Server 0.00023; gnomAD 0.00208; TOPMed 0.00289; 1000 Genomes Project 30x 0.01109; 1000 Genomes Project 0.01218.
gnomAD v4.1: 3,113 of 1,609,766 alleles (0.19%); highest among the groups gnomAD compares: East Asian, 5.3%; 59 homozygotes.

Submissions (5):

Women's Health and Genetics/Laboratory Corporation of America, LabCorp
Classification: Benign. Last evaluated: 2026-05-02. Review status: criteria provided, single submitter. Criteria: LabCorp Variant Classification Summary - May 2015. Collection method: clinical testing. Allele origin: germline.

Blueprint Genetics
Classification: Benign. Last evaluated: 2024-11-27. Review status: criteria provided, single submitter. Criteria: ACMG Guidelines, 2015. Collection method: clinical testing. Allele origin: germline.

ARUP Laboratories, Molecular Genetics and Genomics, ARUP Laboratories
Classification: Benign for Polycystic kidney disease, adult type. Last evaluated: 2018-10-31. Review status: criteria provided, single submitter. Criteria: ARUP Molecular Germline Variant Investigation Process. Collection method: clinical testing. Allele origin: germline.

PreventionGenetics, part of Exact Sciences
Classification: Benign. Review status: criteria provided, single submitter. Criteria: ACMG Guidelines, 2015. Collection method: clinical testing. Allele origin: germline.

Department of Pathology and Laboratory Medicine, Sinai Health System
Classification: Benign for Polycystic Kidney disease. Review status: no assertion criteria provided. Collection method: clinical testing. Allele origin: unknown. Affected: yes. Study: The Canadian Open Genetics Repository (COGR). Not counted in ClinVar's aggregate classification.
Comment: The PKD1 c.8948+11C>T variant was not identified in the literature nor was it identified in the Clinvitae, ClinVar, MutDB, PKD1-LOVD and PKD1-LOVD 3.0 databases. The variant was identified in dbSNP (ID: rs147923678) as â€šÃ„ÃºNAâ€šÃ„Ã¹ with a minor allele frequency of 0.0122 (61 of 5000 chromosomes) in the 1000 Genomes Project, NHLBI GO Exome Sequencing Project in 2 of 8574 European American and 1 of 4384 African American alleles, in the Exome Aggregation Consortium database (March 14, 2016) in 598 (18 homozygous) of 119030 chromosomes (freq. 0.005024) in the following populations: East Asian in 519 of 8604 chromosomes (freq. 0.06032), Finnish in 8 of 6588 chromosomes (freq. 0.001214), Latino in 12 of 11528 chromosomes (freq. 0.001041), South Asian in 16 of 16500 chromosomes (freq. 0.0009697), and European (Non-Finnish) in 40 of 65156 chromosomes (freq. 0.0006139), African in 2 of 9768 (freq. 0.0002048) and other in 1 of 886 (freq. 0.001129), increasing the likelihood this could be a low frequency benign variant. The variant was identified in GeneInsight COGR (Benign) and ADPKD Mutation Database (Likely neutral). The variant occurs outside of the splicing consensus sequence and in silico or computational prediction software programs (SpliceSiteFinder, MaxEntScan, NNSPLICE, GeneSplicer, HumanSpliceFinder) do not predict the abolishment of the consensus splice site; however, HumanSpliceFinder predicts an altered 5' splice site in this region, this information is not very predictive of pathogenicity. In summary, based on the above information, the clinical significance of this variant cannot be determined with certainty at this time although we would lean towards a more benign role for this variant. This variant is classified as benign.